The following is an entry in ClinVar:

ClinVar aggregate classification (germline): Conflicting classifications of pathogenicity. Review status: criteria provided, conflicting classifications (1 of 4 stars). 2 submissions from 2 submitters: Uncertain significance (1); Likely benign (1). Last evaluated 2025-06-29.

Allele frequency attached by ClinVar (database versions not stated): gnomAD 0.00006 and 0.00008; TOPMed 0.00006; ESP Exome Variant Server 0.00008.
gnomAD v4.1: 110 of 1,614,054 alleles (0.0068%); highest among the groups gnomAD compares: Non-Finnish European, 0.0085%; no homozygotes.

Submissions (2):

Labcorp Genetics (formerly Invitae), Labcorp
Classification: Uncertain significance. Last evaluated: 2025-06-29. Review status: criteria provided, single submitter. Criteria: Invitae Variant Classification Sherloc (09022015). Collection method: clinical testing. Allele origin: germline.
Comment: This sequence change replaces arginine, which is basic and polar, with histidine, which is basic and polar, at codon 1274 of the A2ML1 protein (p.Arg1274His). This variant is present in population databases (rs199517408, gnomAD 0.01%). This variant has not been reported in the literature in individuals affected with A2ML1-related conditions. ClinVar contains an entry for this variant (Variation ID: 836900). An algorithm developed to predict the effect of missense changes on protein structure and function outputs the following: PolyPhen-2: "Benign". The histidine amino acid residue is found in multiple mammalian species, which suggests that this missense change does not adversely affect protein function. In summary, the available evidence is currently insufficient to determine the role of this variant in disease. Therefore, it has been classified as a Variant of Uncertain Significance.

Ambry Genetics
Classification: Likely benign. Last evaluated: 2024-01-24. Review status: criteria provided, single submitter. Criteria: Ambry Variant Classification Scheme 2023. Collection method: clinical testing. Allele origin: germline.

NM_144670.6(A2ML1):c.3821G>A (p.Arg1274His)

Gene: A2ML1 (alpha-2-macroglobulin like 1; plus strand). Cytogenetic location: 12p13.31.
Variant type: single nucleotide variant.
Coding change: c.3821G>A on transcript NM_144670.6 (MANE Select); coding-DNA position 3821, G replaced by A.
Protein change: p.Arg1274His; replaces arginine 1274 with histidine.
Molecular consequence: missense variant.
Genome position (GRCh38, 1-based): chr12:8,867,945, G>A. VCF-style: chr12-8867945-G-A. GRCh37 (hg19) VCF-style: chr12-9020541-G-A.
Other names: c.2348G>A, p.Arg783His (NM_001282424.3); short protein forms R1274H, R783H.
Identifiers: ClinVar variation 836900 (VCV000836900.9), dbSNP rs199517408, ClinGen allele CA6436487.